The following is an entry in ClinVar:

NM_001873.4(CPE):c.58G>C (p.Gly20Arg)

Genes: CPE (carboxypeptidase E; plus strand), LOC129993339 (ATAC-STARR-seq lymphoblastoid silent region 15785; plus strand). Cytogenetic location: 4q32.3.
Variant type: single nucleotide variant.
Coding change: c.58G>C on transcript NM_001873.4 (MANE Select); coding-DNA position 58, G replaced by C.
Protein change: p.Gly20Arg; replaces glycine 20 with arginine.
Molecular consequence: missense variant.
Genome position (GRCh38, 1-based): chr4:165,379,279, G>C. VCF-style: chr4-165379279-G-C. GRCh37 (hg19) VCF-style: chr4-166300431-G-C.
Other names: short protein forms G20R.
Identifiers: ClinVar variation 4984750 (VCV004984750.1).

ClinVar aggregate classification (germline): Uncertain significance (1 of 4 stars; one submission).

Conditions:
CPE-related disorder. Also called: CPE-related condition.

gnomAD v4.1: 2 of 1,470,806 alleles (0.00014%); highest among the groups gnomAD compares: Admixed American, 0.0053%; no homozygotes.

Submission:

PreventionGenetics, part of Exact Sciences
Classification: Uncertain significance for CPE-related condition. Last evaluated: 2026-08-03. Review status: criteria provided, single submitter. Criteria: ACMG Guidelines, 2015. Collection method: clinical testing. Allele origin: germline.
Comment: The CPE c.58G>C variant is predicted to result in the amino acid substitution p.Gly20Arg. To our knowledge, this variant has not been reported in the literature. This variant is reported in 0.016% of alleles in individuals of Latino descent in gnomAD. At this time, the clinical significance of this variant is uncertain due to the absence of conclusive functional and genetic evidence.